The following is an entry in ClinVar:

ClinVar aggregate classification (germline): Benign/Likely benign. Review status: criteria provided, multiple submitters, no conflicts (2 of 4 stars). 8 submissions from 8 submitters: Benign (3); Likely benign (2). 3 of the submissions do not count toward it. Last evaluated 2025-04-27.

Conditions:
Blepharophimosis-impaired intellectual development syndrome. Identifiers: Orphanet 637013, MedGen C5443984, MONDO:0859139, OMIM 619293.
Nicolaides-Baraitser syndrome (NCBRS). Also called: SMARCA2-Related Nicolaides-Baraitser Syndrome; Intellectual disability-sparse hair-brachydactyly syndrome. Identifiers: Orphanet 3051, MedGen C1303073, MONDO:0011053, OMIM 601358.
Inborn genetic diseases. Identifiers: MedGen C0950123, MeSH D030342.

Submissions (8):

Labcorp Genetics (formerly Invitae), Labcorp
Classification: Likely benign. Last evaluated: 2025-04-27. Review status: criteria provided, single submitter. Criteria: Invitae Variant Classification Sherloc (09022015). Collection method: clinical testing. Allele origin: germline.

CeGaT Center for Human Genetics Tuebingen
Classification: Benign. Last evaluated: 2024-08-01. Review status: criteria provided, single submitter. Criteria: CeGaT Center For Human Genetics Tuebingen Variant Classification Criteria Version 2. Collection method: clinical testing. Allele origin: germline. Affected: yes. Observed: 1 variant allele.
Comment: SMARCA2: BS1, BS2

Fulgent Genetics
Classification: Likely benign for Nicolaides-Baraitser syndrome; Blepharophimosis-impaired intellectual development syndrome. Last evaluated: 2021-11-17. Review status: criteria provided, single submitter. Criteria: ACMG Guidelines, 2015. Collection method: clinical testing. Allele origin: unknown.

GeneDx
Classification: Benign. Last evaluated: 2021-05-17. Review status: criteria provided, single submitter. Criteria: GeneDx Variant Classification (06012015). Collection method: clinical testing. Allele origin: germline. Affected: yes.

Ambry Genetics
Classification: Benign for Inborn genetic diseases. Last evaluated: 2017-04-14. Review status: criteria provided, single submitter. Criteria: Ambry Variant Classification Scheme 2023. Collection method: clinical testing. Allele origin: germline.

Clinical Genetics DNA and cytogenetics Diagnostics Lab, Erasmus MC, Erasmus Medical Center
Classification: Benign. Review status: no assertion criteria provided. Collection method: clinical testing. Allele origin: germline. Affected: yes. Study: VKGL Data-share Consensus. Not counted in ClinVar's aggregate classification.

Diagnostic Laboratory, Department of Genetics, University Medical Center Groningen
Classification: Likely benign. Review status: no assertion criteria provided. Collection method: clinical testing. Allele origin: germline. Affected: yes. Study: VKGL Data-share Consensus. Not counted in ClinVar's aggregate classification.

Laboratory of Diagnostic Genome Analysis, Leiden University Medical Center (LUMC)
Classification: Likely benign. Review status: no assertion criteria provided. Collection method: clinical testing. Allele origin: germline. Affected: yes. Study: VKGL Data-share Consensus. Not counted in ClinVar's aggregate classification.

Literature cited by the submitters: PubMed 15368101 (cited by Ambry Genetics).

NM_003070.5(SMARCA2):c.669GCA[16] (p.Gln238_Pro239insGlnGlnGln)

Gene: SMARCA2 (SWI/SNF related BAF chromatin remodeling complex subunit ATPase 2; plus strand). Cytogenetic location: 9p24.3.
Variant type: Microsatellite.
Coding change: c.669GCA[16] on transcript NM_003070.5 (MANE Select); 16 copies in a row of the 3-base unit GCA starting at c.669; the reference has 13 copies in a row; three copies, 9 bases duplicated; also written c.699_707dup.
Protein change: p.Gln238_Pro239insGlnGlnGln.
Molecular consequence: inframe insertion. On other transcripts: inframe indel (1).
Genome position (GRCh38, 1-based): chr9:2,039,809-2,039,817, GCAGCAGCA duplicated; duplicating any 9 consecutive bases within chr9:2,039,777-2,039,817 gives the same sequence; the position shown is the placement nearest the transcript's 3' end. VCF-style (leftmost placement, unchanged base first): chr9-2039776-A-ACAGCAGCAG. GRCh37 (hg19) VCF-style: chr9-2039776-A-ACAGCAGCAG.
Other names: c.666_667insCAGCAGCAG (NM_003070.3); c.699_707dup (NM_003070.5); c.669_671GCA[16], p.Gln238_Pro239insGlnGlnGln (NM_001289396.2); c.669GCA[16], p.Gln238_Pro239insGlnGlnGln (NM_001289397.2, NM_139045.4).
Identifiers: ClinVar variation 587963 (VCV000587963.35), dbSNP rs113070757, ClinGen allele CA4962911.